The following is an entry in ClinVar:

NM_138713.4(NFAT5):c.2438T>C (p.Val813Ala)

Gene: NFAT5 (nuclear factor of activated T cells 5; plus strand). Cytogenetic location: 16q22.1.
Variant type: single nucleotide variant.
Coding change: c.2438T>C on transcript NM_138713.4 (MANE Select); coding-DNA position 2438, T replaced by C.
Protein change: p.Val813Ala; replaces valine 813 with alanine.
Molecular consequence: missense variant.
Genome position (GRCh38, 1-based): chr16:69,692,263, T>C. VCF-style: chr16-69692263-T-C. GRCh37 (hg19) VCF-style: chr16-69726166-T-C.
Other names: c.2435T>C, p.Val812Ala (NM_001113178.3); c.1763T>C, p.Val588Ala (NM_001367709.1); c.2384T>C, p.Val795Ala (NM_006599.4); c.2156T>C, p.Val719Ala (NM_138714.4, NM_173214.3, NM_173215.3); short protein forms V795A, V813A, V588A, V719A, V812A.
Identifiers: ClinVar variation 2781053 (VCV002781053.3), dbSNP rs1597570550, ClinGen allele CA396509365.

ClinVar aggregate classification (germline): Uncertain significance (1 of 4 stars; one submission).

Conditions:
Immunodeficiency. Identifiers: MedGen C0021051, MONDO:0021094, HP:0002721.

Submission:

Labcorp Genetics (formerly Invitae), Labcorp
Classification: Uncertain significance for Immunodeficiency. Last evaluated: 2024-10-22. Review status: criteria provided, single submitter. Criteria: Invitae Variant Classification Sherloc (09022015). Collection method: clinical testing. Allele origin: germline.
Comment: This sequence change replaces valine, which is neutral and non-polar, with alanine, which is neutral and non-polar, at codon 719 of the NFAT5 protein (p.Val719Ala). This variant is not present in population databases (gnomAD no frequency). This variant has not been reported in the literature in individuals affected with NFAT5-related conditions. An algorithm developed to predict the effect of missense changes on protein structure and function (PolyPhen-2) suggests that this variant is likely to be disruptive. In summary, the available evidence is currently insufficient to determine the role of this variant in disease. Therefore, it has been classified as a Variant of Uncertain Significance.